The following is an entry in ClinVar:

ClinVar aggregate classification (germline): Uncertain significance (1 of 4 stars; one submission).

Conditions:
Holocarboxylase synthetase deficiency. Also called: MULTIPLE CARBOXYLASE DEFICIENCY, EARLY ONSET. Identifiers: Orphanet 79242, MedGen C0268581, MONDO:0009666, OMIM 253270.

Submission:

Labcorp Genetics (formerly Invitae), Labcorp
Classification: Uncertain significance for Holocarboxylase synthetase deficiency. Last evaluated: 2021-04-11. Review status: criteria provided, single submitter. Criteria: Invitae Variant Classification Sherloc (09022015). Collection method: clinical testing. Allele origin: germline.
Comment: In summary, the available evidence is currently insufficient to determine the role of this variant in disease. Therefore, it has been classified as a Variant of Uncertain Significance. Algorithms developed to predict the effect of missense changes on protein structure and function (SIFT, PolyPhen-2, Align-GVGD) all suggest that this variant is likely to be tolerated, but these predictions have not been confirmed by published functional studies and their clinical significance is uncertain. This variant has not been reported in the literature in individuals with HLCS-related conditions. This variant is not present in population databases (ExAC no frequency). This sequence change replaces valine with alanine at codon 17 of the HLCS protein (p.Val17Ala). The valine residue is moderately conserved and there is a small physicochemical difference between valine and alanine.

NM_001352514.2(HLCS):c.491T>C (p.Val164Ala)

Gene: HLCS (holocarboxylase synthetase; minus strand). Cytogenetic location: 21q22.13.
Variant type: single nucleotide variant.
Coding change: c.491T>C on transcript NM_001352514.2 (MANE Select); coding-DNA position 491, T replaced by C.
Protein change: p.Val164Ala; replaces valine 164 with alanine.
Molecular consequence: missense variant. On other transcripts: non-coding transcript variant (2).
Genome position (GRCh38, 1-based): chr21:36,938,834, A>G on the plus strand (T>C on the coding strand, the complement: HLCS is on the minus strand). VCF-style: chr21-36938834-A-G. GRCh37 (hg19) VCF-style: chr21-38311134-A-G.
Other names: c.50T>C, p.Val17Ala (NM_000411.8, NM_001242784.3, NM_001242785.2 and 4 more transcripts); short protein forms V164A, V17A.
Identifiers: ClinVar variation 1471636 (VCV001471636.8), dbSNP rs2146535803, ClinGen allele CA409914434.